The following is an entry in ClinVar:

NM_000329.3(RPE65):c.731G>A (p.Gly244Asp)

Gene: RPE65 (retinoid isomerohydrolase RPE65; minus strand). Cytogenetic location: 1p31.3.
Variant type: single nucleotide variant.
Coding change: c.731G>A on transcript NM_000329.3 (MANE Select); coding-DNA position 731, G replaced by A.
Protein change: p.Gly244Asp; replaces glycine 244 with aspartic acid.
Molecular consequence: missense variant.
Genome position (GRCh38, 1-based): chr1:68,439,318, C>T on the plus strand (G>A on the coding strand, the complement: RPE65 is on the minus strand). VCF-style: chr1-68439318-C-T. GRCh37 (hg19) VCF-style: chr1-68905001-C-T.
Other names: short protein forms G244D.
Identifiers: ClinVar variation 1416666 (VCV001416666.10), dbSNP rs2100819283, ClinGen allele CA340745880.
Genomic context (GRCh38, chr1:68,439,318, plus strand): 5'-AACTTGAACAGGTTAATTTTGACTGGTGTCTCCACAAAAACGATATAGTTGGGAGTCAGA[C>T]CAAAACTGTTCAGAAACACAAATGGGCTTGTGAATGAAAGGGCTGATTCTCAAGCCACAG-3'
Protein context (NP_000320.1, residues 234-254): RFKPSYVHSF[Gly244Asp]LTPNYIVFVE

ClinVar aggregate classification (germline): Uncertain significance. Review status: criteria provided, multiple submitters, no conflicts (2 of 4 stars). 4 submissions from 4 submitters: Uncertain significance (4). Last evaluated 2025-07-23.

Conditions:
Leber congenital amaurosis 2 (LCA2). Also called: AMAUROSIS CONGENITA OF LEBER II; Autosomal Recessive RPE65-Related Retinal Degeneration. Identifiers: Orphanet 65, MedGen C1859844, MONDO:0008765, OMIM 204100. Disease mechanism: loss of function.
Retinitis pigmentosa 20 (RP20). Identifiers: Orphanet 791, MedGen C3151086, MONDO:0013425, OMIM 613794.
RPE65-related recessive retinopathy. Also called: Recessive RPE65 retinopathy. Identifiers: MedGen CN305526, MONDO:0100368.

Allele frequency attached by ClinVar (database versions not stated): gnomAD exomes below 0.00001.
gnomAD v4.1: 1 of 1,613,382 alleles (0.000062%); highest among the groups gnomAD compares: Non-Finnish European, 0.000085%; no homozygotes.

Submissions (4):

Myriad Genetics, Inc.
Classification: Uncertain significance for RPE65-related recessive retinopathy. Last evaluated: 2025-07-23. Review status: criteria provided, single submitter. Criteria: Myriad Autosomal Dominant, Autosomal Recessive and X-Linked Classification Criteria (2023). Collection method: clinical testing. Allele origin: unknown.
Comment: NM_000329.2(RPE65):c.731G>A(G244D) is a missense variant classified as a variant of uncertain significance in the context of inherited retinal dystrophy, RPE65-related. G244D has been observed in a case with relevant disease (PMID: 37644014). Relevant functional assessments of this variant are not available in the literature. G244D has not been observed in referenced population frequency databases. In summary, there is insufficient evidence to classify NM_000329.2(RPE65):c.731G>A(G244D) as pathogenic or benign. Please note: this variant was assessed in the context of healthy population screening.

Women's Health and Genetics/Laboratory Corporation of America, LabCorp
Classification: Uncertain significance. Last evaluated: 2025-07-03. Review status: criteria provided, single submitter. Criteria: LabCorp Variant Classification Summary - May 2015. Collection method: clinical testing. Allele origin: germline.
Comment: Variant summary: RPE65 c.731G>A (p.Gly244Asp) results in a non-conservative amino acid change in the encoded protein sequence. Algorithms developed to predict the effect of missense changes on protein structure and function all suggest that this variant is likely to be disruptive. The variant was absent in 249954 control chromosomes (gnomAD). c.731G>A has been observed in one individual affected with Leber Congenital Amaurosis (AlAbdi_2023). These data indicate that the variant may be associated with disease. To our knowledge, no experimental evidence demonstrating an impact on protein function has been reported. The following publications have been ascertained in the context of this evaluation (PMID: 37644014, 37547722). ClinVar contains an entry for this variant (Variation ID: 1416666). Based on the evidence outlined above, the variant was classified as VUS-possibly pathogenic.

3billion
Classification: Uncertain significance for Retinitis pigmentosa 20. Last evaluated: 2023-07-13. Review status: criteria provided, single submitter. Criteria: ACMG Guidelines, 2015. Collection method: clinical testing. Allele origin: germline. Affected: yes.
Comment: The variant is not observed in the gnomAD v2.1.1 dataset. Predicted Consequence/Location: Missense variant In silico tool predictions suggest damaging effect of the variant on gene or gene product (REVEL: 0.94; 3Cnet: 0.97). A different missense change at the same codon (p.Gly244Val) has been reported to be associated with RPE65 related disorder (PMID: 18722466). However the evidence of pathogenicity is insufficient at this time. Therefore, this variant is classified as VUS according to the recommendation of ACMG/AMP guideline.

Labcorp Genetics (formerly Invitae), Labcorp
Classification: Uncertain significance for Leber congenital amaurosis 2; Retinitis pigmentosa 20. Last evaluated: 2022-01-11. Review status: criteria provided, single submitter. Criteria: Invitae Variant Classification Sherloc (09022015). Collection method: clinical testing. Allele origin: germline.
Comment: In summary, the available evidence is currently insufficient to determine the role of this variant in disease. Therefore, it has been classified as a Variant of Uncertain Significance. Advanced modeling of protein sequence and biophysical properties (such as structural, functional, and spatial information, amino acid conservation, physicochemical variation, residue mobility, and thermodynamic stability) performed at Invitae indicates that this missense variant is expected to disrupt RPE65 protein function. This variant has not been reported in the literature in individuals affected with RPE65-related conditions. This variant is not present in population databases (gnomAD no frequency). This sequence change replaces glycine, which is neutral and non-polar, with aspartic acid, which is acidic and polar, at codon 244 of the RPE65 protein (p.Gly244Asp).

Literature cited by the submitters: PubMed 37644014 (cited by Myriad Genetics, Inc. and Women's Health and Genetics/Laboratory Corporation of America, LabCorp); PubMed 37547722 (cited by Women's Health and Genetics/Laboratory Corporation of America, LabCorp); PubMed 18722466 (cited by 3billion).